The following is an entry in ClinVar:

NM_000135.4(FANCA):c.3723C>T (p.Asn1241=)

Gene: FANCA (FA complementation group A; minus strand). Cytogenetic location: 16q24.3.
Variant type: single nucleotide variant.
Coding change: c.3723C>T on transcript NM_000135.4 (MANE Select); coding-DNA position 3723, C replaced by T.
Protein change: p.Asn1241=; no amino-acid change (asparagine 1241 retained).
Molecular consequence: synonymous variant.
Genome position (GRCh38, 1-based): chr16:89,742,842, G>A on the plus strand (C>T on the coding strand, the complement: FANCA is on the minus strand). VCF-style: chr16-89742842-G-A. GRCh37 (hg19) VCF-style: chr16-89809250-G-A.
Other names: c.3723C>T, p.Asn1241= (NM_001286167.3).
Identifiers: ClinVar variation 698031 (VCV000698031.21), dbSNP rs202107465, ClinGen allele CA8251010.
Genomic context (GRCh38, chr16:89,742,842, plus strand): 5'-AAGAATTTCCTATCTTGCCTCCTCTCTCTCGCAGTCCAGCTTCTTTAGCTGCTTCCTGAT[G>A]TTTTCTTCCCTGACTTGTTGAATCGCAAAGTGCAGTGCAGCAGCTGAGAGCCAGTCCGGG-3'
Protein context (NP_000126.2, residues 1231-1251): HFAIQQVREE[Asn1241=]IRKQLKKLDC

ClinVar aggregate classification (germline): Likely benign. Review status: criteria provided, multiple submitters, no conflicts (2 of 4 stars). 5 submissions from 5 submitters: Likely benign (3). 2 of the submissions do not count toward it. Last evaluated 2026-01-26.

Conditions:
Fanconi anemia (FA). Also called: Fanconi's anemia. Identifiers: Orphanet 84, MedGen C0015625, MeSH D005199, MONDO:0019391.
Fanconi anemia complementation group A (FANCA). Also called: Fanconi anemia, group A; FANCA-Related Fanconi Anemia. Identifiers: Orphanet 84, MedGen C3469521, MONDO:0009215, OMIM 227650.
FANCA-related disorder. Also called: FANCA-related condition.

Allele frequency attached by ClinVar (database versions not stated): gnomAD 0.00001; TOPMed 0.00007; gnomAD exomes 0.00010 and 0.00021; ExAC 0.00015; 1000 Genomes Project 30x 0.00016; 1000 Genomes Project 0.00020.
gnomAD v4.1: 63 of 1,614,138 alleles (0.0039%); highest among the groups gnomAD compares: Admixed American, 0.1%; no homozygotes.

Submissions (5):

Labcorp Genetics (formerly Invitae), Labcorp
Classification: Likely benign for Fanconi anemia. Last evaluated: 2026-01-26. Review status: criteria provided, single submitter. Criteria: Invitae Variant Classification Sherloc (09022015). Collection method: clinical testing. Allele origin: germline.

CeGaT Center for Human Genetics Tuebingen
Classification: Likely benign. Last evaluated: 2025-11-01. Review status: criteria provided, single submitter. Criteria: CeGaT Center For Human Genetics Tuebingen Variant Classification Criteria Version 2. Collection method: clinical testing. Allele origin: germline. Affected: yes. Observed: 1 variant allele.
Comment: FANCA: BP4, BP7

Blueprint Genetics
Classification: Likely benign. Last evaluated: 2020-10-14. Review status: criteria provided, single submitter. Criteria: ACMG Guidelines, 2015. Collection method: clinical testing. Allele origin: germline.

PreventionGenetics, part of Exact Sciences
Classification: Likely benign for FANCA-related condition. Last evaluated: 2024-05-02. Review status: no assertion criteria provided. Collection method: clinical testing. Allele origin: germline. Not counted in ClinVar's aggregate classification.
Comment: This variant is classified as likely benign based on ACMG/AMP sequence variant interpretation guidelines (Richards et al. 2015 PMID: 25741868, with internal and published modifications).

Natera, Inc.
Classification: Uncertain significance for Fanconi anemia, group A. Last evaluated: 2020-03-17. Review status: no assertion criteria provided. Collection method: clinical testing. Allele origin: germline. Not counted in ClinVar's aggregate classification.